The following is an entry in ClinVar:

ClinVar aggregate classification (germline): Likely benign. Review status: criteria provided, multiple submitters, no conflicts (2 of 4 stars). 3 submissions from 3 submitters: Likely benign (3). Last evaluated 2023-10-13.

Conditions:
Koolen-de Vries syndrome (KDVS). Identifiers: Orphanet 96169, MedGen C1864871, MONDO:0012496, OMIM 610443.

Allele frequency attached by ClinVar (database versions not stated): ExAC 0.00002; TOPMed 0.00002; gnomAD 0.00003.
gnomAD v4.1: 13 of 1,614,028 alleles (0.00081%); highest among the groups gnomAD compares: East Asian, 0.025%; no homozygotes.

Submissions (3):

Labcorp Genetics (formerly Invitae), Labcorp
Classification: Likely benign for Koolen-de Vries syndrome. Last evaluated: 2023-10-13. Review status: criteria provided, single submitter. Criteria: Invitae Variant Classification Sherloc (09022015). Collection method: clinical testing. Allele origin: germline.

Fulgent Genetics
Classification: Likely benign for Koolen-de Vries syndrome. Last evaluated: 2021-09-28. Review status: criteria provided, single submitter. Criteria: ACMG Guidelines, 2015. Collection method: clinical testing. Allele origin: unknown.

GeneDx
Classification: Likely benign. Last evaluated: 2016-09-26. Review status: criteria provided, single submitter. Criteria: GeneDx Variant Classification (06012015). Collection method: clinical testing. Allele origin: germline. Affected: yes.
Comment: This variant is considered likely benign or benign based on one or more of the following criteria: it is a conservative change, it occurs at a poorly conserved position in the protein, it is predicted to be benign by multiple in silico algorithms, and/or has population frequency not consistent with disease.

NM_015443.4(KANSL1):c.1059C>A (p.Ala353=)

Gene: KANSL1 (KAT8 regulatory NSL complex subunit 1). Cytogenetic location: 17q21.31.
Variant type: single nucleotide variant.
Coding change: c.1059C>A on transcript NM_015443.4 (MANE Select); coding-DNA position 1059, C replaced by A.
Protein change: p.Ala353=; no amino-acid change (alanine 353 retained).
Molecular consequence: synonymous variant.
Genome position (GRCh38, 1-based): chr17:46,171,085, G>T on the plus strand (C>A on the coding strand, the complement: KANSL1 is on the minus strand). VCF-style: chr17-46171085-G-T. GRCh37 (hg19) VCF-style: chr17-44248451-G-T.
Other names: c.1059C>A, p.Ala353= (NM_001193465.2, NM_001193466.2, NM_001379198.1).
Identifiers: ClinVar variation 389489 (VCV000389489.10), dbSNP rs761810633, ClinGen allele CA8618896.